The following is an entry in ClinVar:

NM_022836.4(DCLRE1B):c.847C>T (p.Arg283Cys)

Gene: DCLRE1B (DNA cross-link repair 1B; plus strand). Cytogenetic location: 1p13.2.
Variant type: single nucleotide variant.
Coding change: c.847C>T on transcript NM_022836.4 (MANE Select); coding-DNA position 847, C replaced by T.
Protein change: p.Arg283Cys; replaces arginine 283 with cysteine.
Molecular consequence: missense variant.
Genome position (GRCh38, 1-based): chr1:113,911,439, C>T. VCF-style: chr1-113911439-C-T. GRCh37 (hg19) VCF-style: chr1-114454061-C-T.
Other names: c.469C>T, p.Arg157Cys (NM_001319946.2, NM_001319947.2, NM_001363691.2); c.847C>T, p.Arg283Cys (NM_001363690.2, LRG_1219t1); short protein forms R283C, R157C.
Identifiers: ClinVar variation 533714 (VCV000533714.15), dbSNP rs145569979, ClinGen allele CA1016477.

ClinVar aggregate classification (germline): Likely benign. Review status: criteria provided, multiple submitters, no conflicts (2 of 4 stars). 3 submissions from 3 submitters: Likely benign (2). 1 of the submissions does not count toward it. Last evaluated 2026-06-01.

Conditions:
Hoyeraal-Hreidarsson syndrome (HHS). Also called: CEREBELLAR HYPOPLASIA WITH PANCYTOPENIA. Identifiers: Orphanet 3322, MedGen C1846142, MONDO:0018045.
Autosomal recessive dyskeratosis congenita. Identifiers: MedGen C3502105.
DCLRE1B-related disorder. Also called: DCLRE1B-related condition.

Allele frequency attached by ClinVar (database versions not stated): 1000 Genomes Project 30x 0.00031; 1000 Genomes Project 0.00040; gnomAD 0.00127; ExAC 0.00138; TOPMed 0.00162; ESP Exome Variant Server 0.00223.
gnomAD v4.1: 3,933 of 1,614,174 alleles (0.24%); highest among the groups gnomAD compares: Non-Finnish European, 0.31%; 5 homozygotes.

Submissions (3):

CeGaT Center for Human Genetics Tuebingen
Classification: Likely benign. Last evaluated: 2026-06-01. Review status: criteria provided, single submitter. Criteria: CeGaT Center For Human Genetics Tuebingen Variant Classification Criteria Version 2. Collection method: clinical testing. Allele origin: germline. Affected: yes. Observed: 2 variant alleles.
Comment: DCLRE1B: BP4, BS2

Labcorp Genetics (formerly Invitae), Labcorp
Classification: Likely benign for Hoyeraal-Hreidarsson syndrome; Autosomal recessive dyskeratosis congenita. Last evaluated: 2025-12-20. Review status: criteria provided, single submitter. Criteria: Invitae Variant Classification Sherloc (09022015). Collection method: clinical testing. Allele origin: germline.

PreventionGenetics, part of Exact Sciences
Classification: Likely benign for DCLRE1B-related condition. Last evaluated: 2024-01-24. Review status: no assertion criteria provided. Collection method: clinical testing. Allele origin: germline. Not counted in ClinVar's aggregate classification.
Comment: This variant is classified as likely benign based on ACMG/AMP sequence variant interpretation guidelines (Richards et al. 2015 PMID: 25741868, with internal and published modifications).